The following is an entry in ClinVar:

ClinVar aggregate classification (germline): Benign/Likely benign. Review status: criteria provided, multiple submitters, no conflicts (2 of 4 stars). 3 submissions from 3 submitters: Benign (1); Likely benign (2). Last evaluated 2025-07-07.

Conditions:
Hereditary cancer-predisposing syndrome. Also called: Tumor predisposition; Neoplastic Syndromes, Hereditary; Hereditary Cancer Syndrome; Hereditary neoplastic syndrome. Identifiers: Orphanet 140162, MedGen C0027672, MeSH D009386, MONDO:0015356.
Familial cancer of breast. Also called: BREAST CANCER, FAMILIAL; Hereditary breast cancer; hereditary breast carcinoma. Identifiers: Orphanet 227535, MedGen C0346153, MONDO:0016419, OMIM 114480. Disease mechanism: loss of function.
Ataxia-telangiectasia syndrome (AT). Also called: Cerebello-oculocutaneous telangiectasia; Immunodeficiency with ataxia telangiectasia; ATAXIA-TELANGIECTASIA, COMPLEMENTATION GROUP A; Ataxia-telangiectasia, complementation group D; AT, COMPLEMENTATION GROUP C; ATAXIA-TELANGIECTASIA, FRESNO VARIANT. Identifiers: Orphanet 100, MedGen C0004135, MONDO:0008840, OMIM 208900.

Allele frequency attached by ClinVar (database versions not stated): gnomAD exomes below 0.00001; ExAC 0.00001.
gnomAD v4.1: 1 of 1,605,092 alleles (0.000062%); highest among the groups gnomAD compares: Non-Finnish European, 0.000085%; no homozygotes.

Submissions (3):

Labcorp Genetics (formerly Invitae), Labcorp
Classification: Likely benign for Ataxia-telangiectasia syndrome. Last evaluated: 2025-07-07. Review status: criteria provided, single submitter. Criteria: Invitae Variant Classification Sherloc (09022015). Collection method: clinical testing. Allele origin: germline.

Myriad Genetics, Inc.
Classification: Benign for Familial cancer of breast. Last evaluated: 2024-04-26. Review status: criteria provided, single submitter. Criteria: Myriad Autosomal Dominant, Autosomal Recessive and X-Linked Classification Criteria (2023). Collection method: clinical testing. Allele origin: unknown.
Comment: This variant is considered benign. This variant is a silent/synonymous amino acid change and it is not expected to impact splicing.

Ambry Genetics
Classification: Likely benign for Hereditary cancer-predisposing syndrome. Last evaluated: 2016-08-10. Review status: criteria provided, single submitter. Criteria: Ambry Variant Classification Scheme 2023. Collection method: clinical testing. Allele origin: germline.

NM_000051.4(ATM):c.1260A>C (p.Ile420=)

Gene: ATM (ATM serine/threonine kinase; plus strand). Cytogenetic location: 11q22.3.
Variant type: single nucleotide variant.
Coding change: c.1260A>C on transcript NM_000051.4 (MANE Select); coding-DNA position 1260, A replaced by C.
Protein change: p.Ile420=; no amino-acid change (isoleucine 420 retained).
Molecular consequence: synonymous variant.
Genome position (GRCh38, 1-based): chr11:108,250,725, A>C. VCF-style: chr11-108250725-A-C. GRCh37 (hg19) VCF-style: chr11-108121452-A-C.
Other names: c.1260A>C, p.Ile420= (NM_001351834.2).
Identifiers: ClinVar variation 479019 (VCV000479019.15), dbSNP rs750468699, ClinGen allele CA6264794.